The following is an entry in ClinVar:

ClinVar aggregate classification (germline): Uncertain significance. Review status: criteria provided, multiple submitters, no conflicts (2 of 4 stars). 3 submissions from 3 submitters: Uncertain significance (3). Last evaluated 2022-06-12.

Allele frequency attached by ClinVar (database versions not stated): gnomAD 0.00002 and 0.00003; gnomAD exomes 0.00002 and 0.00006; TOPMed 0.00003; ESP Exome Variant Server 0.00008.
gnomAD v4.1: 94 of 1,614,104 alleles (0.0058%); highest among the groups gnomAD compares: Non-Finnish European, 0.007%; no homozygotes.

Submissions (3):

Labcorp Genetics (formerly Invitae), Labcorp
Classification: Uncertain significance. Last evaluated: 2022-06-12. Review status: criteria provided, single submitter. Criteria: Invitae Variant Classification Sherloc (09022015). Collection method: clinical testing. Allele origin: germline.
Comment: This sequence change replaces methionine, which is neutral and non-polar, with valine, which is neutral and non-polar, at codon 790 of the MERTK protein (p.Met790Val). This variant is present in population databases (rs138971326, gnomAD 0.004%). This variant has not been reported in the literature in individuals affected with MERTK-related conditions. ClinVar contains an entry for this variant (Variation ID: 432599). Algorithms developed to predict the effect of missense changes on protein structure and function are either unavailable or do not agree on the potential impact of this missense change (SIFT: "Deleterious"; PolyPhen-2: "Probably Damaging"; Align-GVGD: "Class C15"). In summary, the available evidence is currently insufficient to determine the role of this variant in disease. Therefore, it has been classified as a Variant of Uncertain Significance.

Blueprint Genetics
Classification: Uncertain significance. Last evaluated: 2021-06-14. Review status: criteria provided, single submitter. Criteria: ACMG Guidelines, 2015. Collection method: clinical testing. Allele origin: germline.

GeneDx
Classification: Uncertain significance. Last evaluated: 2017-06-22. Review status: criteria provided, single submitter. Criteria: GeneDx Variant Classification (06012015). Collection method: clinical testing. Allele origin: germline. Affected: yes.
Comment: The M790V variant in the MERTK gene has not been reported previously as a pathogenic variant, nor as a benign variant, to our knowledge. The M790V variant is not observed in large population cohorts (Lek et al., 2016; 1000 Genomes Consortium et al., 2015; Exome Variant Server). The M790V variant is a conservative amino acid substitution, which is not likely to impact secondary protein structure as these residues share similar properties. However, this substitution occurs at a position that is conserved across species, and in silico analysis predicts this variant is probably damaging to the protein structure/function. We interpret M790V as a variant of uncertain significance.

NM_006343.3(MERTK):c.2368A>G (p.Met790Val)

Gene: MERTK (MER proto-oncogene, tyrosine kinase; plus strand). Cytogenetic location: 2q13.
Variant type: single nucleotide variant.
Coding change: c.2368A>G on transcript NM_006343.3 (MANE Select); coding-DNA position 2368, A replaced by G.
Protein change: p.Met790Val; replaces methionine 790 with valine.
Molecular consequence: missense variant.
Genome position (GRCh38, 1-based): chr2:112,022,276, A>G. VCF-style: chr2-112022276-A-G. GRCh37 (hg19) VCF-style: chr2-112779853-A-G.
Other names: short protein forms M790V.
Identifiers: ClinVar variation 432599 (VCV000432599.10), dbSNP rs138971326, ClinGen allele CA53592226.